The following is an entry in ClinVar:

NM_017999.5(RNF31):c.1717G>A (p.Val573Met)

Gene: RNF31 (ring finger protein 31; plus strand). Cytogenetic location: 14q12.
Variant type: single nucleotide variant.
Coding change: c.1717G>A on transcript NM_017999.5 (MANE Select); coding-DNA position 1717, G replaced by A.
Protein change: p.Val573Met; replaces valine 573 with methionine.
Molecular consequence: missense variant.
Genome position (GRCh38, 1-based): chr14:24,151,359, G>A. VCF-style: chr14-24151359-G-A. GRCh37 (hg19) VCF-style: chr14-24620568-G-A.
Other names: c.1264G>A, p.Val422Met (NM_001310332.2); short protein forms V573M, V422M.
Identifiers: ClinVar variation 2472484 (VCV002472484.4), dbSNP rs200349131, ClinGen allele CA257872794.

ClinVar aggregate classification (germline): Uncertain significance. Review status: criteria provided, multiple submitters, no conflicts (2 of 4 stars). 2 submissions from 2 submitters: Uncertain significance (2). Last evaluated 2025-12-20.

gnomAD v4.1: 12 of 1,614,114 alleles (0.00074%); highest among the groups gnomAD compares: Middle Eastern, 0.016%; no homozygotes.

Submissions (2):

Labcorp Genetics (formerly Invitae), Labcorp
Classification: Uncertain significance. Last evaluated: 2025-12-20. Review status: criteria provided, single submitter. Criteria: Invitae Variant Classification Sherloc (09022015). Collection method: clinical testing. Allele origin: germline.
Comment: This sequence change replaces valine, which is neutral and non-polar, with methionine, which is neutral and non-polar, at codon 573 of the RNF31 protein (p.Val573Met). This variant is present in population databases (no rsID available, gnomAD 0.01%). This variant has not been reported in the literature in individuals affected with RNF31-related conditions. ClinVar contains an entry for this variant (Variation ID: 2472484). An algorithm developed to predict the effect of missense changes on protein structure and function (PolyPhen-2) suggests that this variant is likely to be disruptive. In summary, the available evidence is currently insufficient to determine the role of this variant in disease. Therefore, it has been classified as a Variant of Uncertain Significance.

Ambry Genetics
Classification: Uncertain significance. Last evaluated: 2023-01-20. Review status: criteria provided, single submitter. Criteria: Ambry Variant Classification Scheme 2023. Collection method: clinical testing. Allele origin: germline.